The following is an entry in ClinVar:

NM_004415.4(DSP):c.2347A>G (p.Met783Val)

Gene: DSP (desmoplakin; plus strand). Cytogenetic location: 6p24.3.
Variant type: single nucleotide variant.
Coding change: c.2347A>G on transcript NM_004415.4 (MANE Select); coding-DNA position 2347, A replaced by G.
Protein change: p.Met783Val; replaces methionine 783 with valine.
Molecular consequence: missense variant.
Genome position (GRCh38, 1-based): chr6:7,574,706, A>G. VCF-style: chr6-7574706-A-G. GRCh37 (hg19) VCF-style: chr6-7574939-A-G.
Other names: c.2347A>G, p.Met783Val (NM_001008844.3, NM_001319034.2); short protein forms M783V.
Identifiers: ClinVar variation 3071483 (VCV003071483.1), dbSNP rs1759180540, ClinGen allele CA362681122.

ClinVar aggregate classification (germline): Uncertain significance (1 of 4 stars; one submission).

Conditions:
Arrhythmogenic cardiomyopathy with wooly hair and keratoderma. Also called: PALMOPLANTAR KERATODERMA WITH LEFT VENTRICULAR CARDIOMYOPATHY AND WOOLLY HAIR; Carvajal syndrome; Dilated cardiomyopathy with woolly hair and keratoderma; Arrhythmogenic cardiomyopathy with woolly hair and keratoderma. Identifiers: Orphanet 65282, MedGen C1854063, MONDO:0011581, OMIM 605676.

Submission:

All of Us Research Program, National Institutes of Health
Classification: Uncertain significance for Arrhythmogenic cardiomyopathy with wooly hair and keratoderma. Last evaluated: 2023-06-08. Review status: criteria provided, single submitter. Criteria: ACMG Guidelines, 2015. Collection method: clinical testing. Allele origin: germline. Inheritance: Autosomal dominant inheritance. Observed: 1 variant allele, 1 heterozygote.
Comment: This missense variant replaces methionine with valine at codon 783 of the DSP protein. Computational prediction suggests that this variant may not impact protein structure and function (internally defined REVEL score threshold <= 0.5, PMID: 27666373). To our knowledge, functional studies have not been reported for this variant. This variant has not been reported in individuals affected with DSP-related disorders in the literature. This variant has not been identified in the general population by the Genome Aggregation Database (gnomAD). The available evidence is insufficient to determine the role of this variant in disease conclusively. Therefore, this variant is classified as a Variant of Uncertain Significance.

This study involves interpretation of variants in research participants for the purpose of population health screening. Participant phenotype was not available at the time of variant classification. Additional details can be found in publication PMID: 35346344, PMCID: PMC8962531